The following is an entry in ClinVar:

NM_152564.5(VPS13B):c.1894C>G (p.Leu632Val)

Gene: VPS13B (vacuolar protein sorting 13 homolog B; plus strand). Cytogenetic location: 8q22.2.
Variant type: single nucleotide variant.
Coding change: c.1894C>G on transcript NM_152564.5 (MANE Select); coding-DNA position 1894, C replaced by G.
Protein change: p.Leu632Val; replaces leucine 632 with valine.
Molecular consequence: missense variant.
Genome position (GRCh38, 1-based): chr8:99,147,891, C>G. VCF-style: chr8-99147891-C-G. GRCh37 (hg19) VCF-style: chr8-100160119-C-G.
Other names: c.1894C>G, p.Leu632Val (NM_015243.3, NM_017890.5); short protein forms L632V.
Identifiers: ClinVar variation 2005429 (VCV002005429.4), dbSNP rs2488803217, ClinGen allele CA371864334.

ClinVar aggregate classification (germline): Uncertain significance (1 of 4 stars; one submission).

Conditions:
Cohen syndrome (COH1). Also called: Cutis verticis gyrata, retinitis pigmentosa, and sensorineural deafness; PEPPER SYNDROME. Identifiers: Orphanet 193, MedGen C0265223, MONDO:0008999, OMIM 216550.

Submission:

Labcorp Genetics (formerly Invitae), Labcorp
Classification: Uncertain significance for Cohen syndrome. Last evaluated: 2022-06-13. Review status: criteria provided, single submitter. Criteria: Invitae Variant Classification Sherloc (09022015). Collection method: clinical testing. Allele origin: germline.
Comment: Algorithms developed to predict the effect of missense changes on protein structure and function are either unavailable or do not agree on the potential impact of this missense change (SIFT: "Not Available"; PolyPhen-2: "Benign"; Align-GVGD: "Not Available"). This variant has not been reported in the literature in individuals affected with VPS13B-related conditions. This variant is not present in population databases (gnomAD no frequency). This sequence change replaces leucine, which is neutral and non-polar, with valine, which is neutral and non-polar, at codon 632 of the VPS13B protein (p.Leu632Val). In summary, the available evidence is currently insufficient to determine the role of this variant in disease. Therefore, it has been classified as a Variant of Uncertain Significance.